The following is an entry in ClinVar:

NM_001148.6(ANK2):c.1910C>T (p.Ala637Val)

Gene: ANK2 (ankyrin 2; plus strand). Cytogenetic location: 4q26.
Variant type: single nucleotide variant.
Coding change: c.1910C>T on transcript NM_001148.6 (MANE Select); coding-DNA position 1910, C replaced by T.
Protein change: p.Ala637Val; replaces alanine 637 with valine.
Molecular consequence: missense variant.
Genome position (GRCh38, 1-based): chr4:113,282,703, C>T. VCF-style: chr4-113282703-C-T. GRCh37 (hg19) VCF-style: chr4-114203859-C-T.
Other names: p.A637V:GCC>GTC; c.1847C>T, p.Ala616Val (NM_001354243.2, NM_001354244.2, NM_001354252.2 and 10 more transcripts); c.1811C>T, p.Ala604Val (NM_001354245.2, NM_001354268.2); c.1910C>T, p.Ala637Val (NM_001354246.2, NM_001354225.2, NM_001354228.2 and 6 more transcripts); c.1823C>T, p.Ala608Val (NM_001354249.2, NM_001354274.2, NM_001354276.2 and 10 more transcripts); c.1748C>T, p.Ala583Val (NM_001354253.2, NM_001354270.2, NM_001386156.1 and 1 more transcripts); c.1700C>T, p.Ala567Val (NM_001354269.3); c.1724C>T, p.Ala575Val (NM_001354271.2, NM_001354260.2, NM_001386151.1); and 9 more; short protein forms A616V, A637V, A608V, A652V, A575V, A542V, A567V, A571V.
Identifiers: ClinVar variation 190551 (VCV000190551.16), dbSNP rs150488571, ClinGen allele CA300815.

ClinVar aggregate classification (germline): Conflicting classifications of pathogenicity. Review status: criteria provided, conflicting classifications (1 of 4 stars). 5 submissions from 5 submitters: Uncertain significance (2); Likely benign (3). Last evaluated 2026-07-11.

Conditions:
ANK2-related disorder. Also called: ANK2-related condition.
Cardiovascular phenotype. Identifiers: MedGen CN230736.
Long QT syndrome (LQTS). Identifiers: MedGen C0023976, MeSH D008133, MONDO:0002442. Disease mechanism: loss of function. Inheritance: Various modes of inheritance.
Primary dilated cardiomyopathy (DCM). Also called: Dilated Cardiomyopathy. Identifiers: Orphanet 217604, MedGen C0007193, MeSH D002311, MONDO:0005021, HP:0001644. Inheritance: Various modes of inheritance.

Allele frequency attached by ClinVar (database versions not stated): gnomAD exomes 0.00002 and 0.00008; ExAC 0.00008; ESP Exome Variant Server 0.00023; gnomAD 0.00024 and 0.00028; TOPMed 0.00037.
gnomAD v4.1: 69 of 1,613,328 alleles (0.0043%); highest among the groups gnomAD compares: African/African-American, 0.065%; no homozygotes.

Submissions (5):

PreventionGenetics, part of Exact Sciences
Classification: Likely benign for ANK2-related condition. Last evaluated: 2026-07-11. Review status: criteria provided, single submitter. Criteria: ACMG Guidelines, 2015. Collection method: clinical testing. Allele origin: germline.
Comment: This variant is classified as likely benign based on ACMG/AMP sequence variant interpretation guidelines (Richards et al. 2015 PMID: 25741868, with internal and published modifications).

Labcorp Genetics (formerly Invitae), Labcorp
Classification: Uncertain significance for Long QT syndrome. Last evaluated: 2025-11-01. Review status: criteria provided, single submitter. Criteria: Invitae Variant Classification Sherloc (09022015). Collection method: clinical testing. Allele origin: germline.
Comment: This sequence change replaces alanine, which is neutral and non-polar, with valine, which is neutral and non-polar, at codon 637 of the ANK2 protein (p.Ala637Val). This variant is present in population databases (rs150488571, gnomAD 0.08%), and has an allele count higher than expected for a pathogenic variant. This missense change has been observed in individual(s) with neurodevelopmental disorders (PMID: 33004838). This variant is also known as c.2006C>T (p.Ala669Val). ClinVar contains an entry for this variant (Variation ID: 190551). Invitae Evidence Modeling of protein sequence and biophysical properties (such as structural, functional, and spatial information, amino acid conservation, physicochemical variation, residue mobility, and thermodynamic stability) indicates that this missense variant is not expected to disrupt ANK2 protein function with a negative predictive value of 80%. In summary, the available evidence is currently insufficient to determine the role of this variant in disease. Therefore, it has been classified as a Variant of Uncertain Significance.

GeneDx
Classification: Uncertain significance. Last evaluated: 2025-01-30. Review status: criteria provided, single submitter. Criteria: GeneDx Variant Classification Process June 2021. Collection method: clinical testing. Allele origin: germline. Affected: yes.
Comment: Reported in association with neurodevelopmental disorders, primary electric disease (PED), and sudden unexplained death (SUD) in published literature (PMID: 28341588, 30415094, 33004838); In silico analysis supports that this missense variant has a deleterious effect on protein structure/function; This variant is associated with the following publications: (PMID: 33004838, 30415094, 28341588)

Ambry Genetics
Classification: Likely benign for Cardiovascular phenotype. Last evaluated: 2023-03-31. Review status: criteria provided, single submitter. Criteria: Ambry Variant Classification Scheme 2023. Collection method: clinical testing. Allele origin: germline.

Center for Advanced Laboratory Medicine, UC San Diego Health, University of California San Diego
Classification: Likely benign for Dilated cardiomyopathy. Last evaluated: 2019-05-08. Review status: criteria provided, single submitter. Criteria: ACMG Guidelines, 2015. Collection method: clinical testing. Allele origin: germline. Affected: yes. Observed: 1 variant allele.

Literature cited by the submitters: PubMed 33004838 (cited by Labcorp Genetics (formerly Invitae), Labcorp and Ambry Genetics); PubMed 28341588 (cited by Ambry Genetics); PubMed 30415094 (cited by Ambry Genetics).